The following is an entry in ClinVar:

ClinVar aggregate classification (germline): Conflicting classifications of pathogenicity. Review status: criteria provided, conflicting classifications (1 of 4 stars). 6 submissions from 5 submitters: Uncertain significance (4); Likely benign (2). Last evaluated 2025-10-06.

Conditions:
Adams-Oliver syndrome 5 (AOS5). Identifiers: Orphanet 974, MedGen C4014970, MONDO:0014459, OMIM 616028.
Familial thoracic aortic aneurysm and aortic dissection (TAAD). Also called: Thoracic aortic aneurysms and dissections. Identifiers: Orphanet 91387, MedGen C4707243, MONDO:0019625.
Aortic valve disease 1 (AOVD1). Identifiers: MedGen C3887892, MONDO:0024523, OMIM 109730.

Allele frequency attached by ClinVar (database versions not stated): TOPMed below 0.00001; gnomAD 0.00001; gnomAD exomes 0.00001 and 0.00002; ExAC 0.00004.
gnomAD v4.1: 30 of 1,573,198 alleles (0.0019%); highest among the groups gnomAD compares: Non-Finnish European, 0.0025%; no homozygotes.

Submissions (6):

Labcorp Genetics (formerly Invitae), Labcorp
Classification: Uncertain significance for Adams-Oliver syndrome 5. Last evaluated: 2025-10-06. Review status: criteria provided, single submitter. Criteria: Invitae Variant Classification Sherloc (09022015). Collection method: clinical testing. Allele origin: germline.
Comment: This sequence change replaces arginine, which is basic and polar, with histidine, which is basic and polar, at codon 1622 of the NOTCH1 protein (p.Arg1622His). The frequency data for this variant in the population databases is considered unreliable, as metrics indicate poor data quality at this position in the gnomAD database. This variant has not been reported in the literature in individuals affected with NOTCH1-related conditions. ClinVar contains an entry for this variant (Variation ID: 1036564). Invitae Evidence Modeling of protein sequence and biophysical properties (such as structural, functional, and spatial information, amino acid conservation, physicochemical variation, residue mobility, and thermodynamic stability) indicates that this missense variant is not expected to disrupt NOTCH1 protein function with a negative predictive value of 80%. In summary, the available evidence is currently insufficient to determine the role of this variant in disease. Therefore, it has been classified as a Variant of Uncertain Significance.

Ambry Genetics
Classification: Likely benign for Familial thoracic aortic aneurysm and aortic dissection. Last evaluated: 2025-03-25. Review status: criteria provided, single submitter. Criteria: Ambry Variant Classification Scheme 2023. Collection method: clinical testing. Allele origin: germline.

Blueprint Genetics
Classification: Likely benign. Last evaluated: 2023-02-14. Review status: criteria provided, single submitter. Criteria: ACMG Guidelines, 2015. Collection method: clinical testing. Allele origin: germline.

GeneDx
Classification: Uncertain significance. Last evaluated: 2022-09-02. Review status: criteria provided, single submitter. Criteria: GeneDx Variant Classification Process June 2021. Collection method: clinical testing. Allele origin: germline. Affected: yes.
Comment: Has not been previously published as pathogenic or benign to our knowledge; Not observed at significant frequency in large population cohorts (gnomAD); In silico analysis supports that this missense variant does not alter protein structure/function

Genome-Nilou Lab
Classification: Uncertain significance for Adams-Oliver syndrome 5. Last evaluated: 2022-03-15. Review status: criteria provided, single submitter. Criteria: ACMG Guidelines, 2015. Collection method: clinical testing. Allele origin: germline. Affected: no.

Genome-Nilou Lab
Classification: Uncertain significance for Aortic valve disease 1. Last evaluated: 2022-03-15. Review status: criteria provided, single submitter. Criteria: ACMG Guidelines, 2015. Collection method: clinical testing. Allele origin: germline. Affected: no.

NM_017617.5(NOTCH1):c.4865G>A (p.Arg1622His)

Gene: NOTCH1 (notch receptor 1; minus strand). Cytogenetic location: 9q34.3.
Variant type: single nucleotide variant.
Coding change: c.4865G>A on transcript NM_017617.5 (MANE Select); coding-DNA position 4865, G replaced by A.
Protein change: p.Arg1622His; replaces arginine 1622 with histidine.
Molecular consequence: missense variant.
Genome position (GRCh38, 1-based): chr9:136,504,826, C>T on the plus strand (G>A on the coding strand, the complement: NOTCH1 is on the minus strand). VCF-style: chr9-136504826-C-T. GRCh37 (hg19) VCF-style: chr9-139399278-C-T.
Other names: short protein forms R1622H.
Identifiers: ClinVar variation 1036564 (VCV001036564.15), dbSNP rs778271353, ClinGen allele CA5340504.